The following is an entry in ClinVar:

NM_000719.7(CACNA1C):c.50-1G>C

Gene: CACNA1C (calcium voltage-gated channel subunit alpha1 C; plus strand). Cytogenetic location: 12p13.33.
Variant type: single nucleotide variant.
Coding change: c.50-1G>C on transcript NM_000719.7 (MANE Select); the canonical splice acceptor site of the intron before coding-DNA position 50, G replaced by C.
Molecular consequence: splice acceptor variant.
Genome position (GRCh38, 1-based): chr12:2,115,223, G>C. VCF-style: chr12-2115223-G-C. GRCh37 (hg19) VCF-style: chr12-2224389-G-C.
Other names: c.50-1G>C (NM_001167624.3, NM_001167623.2, NM_001167625.2 and 19 more transcripts).
Identifiers: ClinVar variation 2827591 (VCV002827591.3), dbSNP rs2547556919, ClinGen allele CA383652833.

ClinVar aggregate classification (germline): Uncertain significance (1 of 4 stars; one submission).

Conditions:
Long QT syndrome (LQTS). Identifiers: MedGen C0023976, MeSH D008133, MONDO:0002442. Disease mechanism: loss of function. Inheritance: Various modes of inheritance.

Submission:

Labcorp Genetics (formerly Invitae), Labcorp
Classification: Uncertain significance for Long QT syndrome. Last evaluated: 2023-01-10. Review status: criteria provided, single submitter. Criteria: Invitae Variant Classification Sherloc (09022015). Collection method: clinical testing. Allele origin: germline.
Comment: In summary, the available evidence is currently insufficient to determine the role of this variant in disease. Therefore, it has been classified as a Variant of Uncertain Significance. Algorithms developed to predict the effect of sequence changes on RNA splicing suggest that this variant may disrupt the consensus splice site. This variant has not been reported in the literature in individuals affected with CACNA1C-related conditions. This variant is not present in population databases (gnomAD no frequency). This sequence change affects an acceptor splice site in intron 1 of the CACNA1C gene. It is expected to disrupt RNA splicing. Variants that disrupt the donor or acceptor splice site typically lead to a loss of protein function (PMID: 16199547), however the current clinical and genetic evidence is not sufficient to establish whether loss-of-function variants in CACNA1C cause disease.

Literature cited by the submitters: PubMed 16199547.